The following is an entry in ClinVar:

NC_000002.11:g.(?_165984121)_(166246354_?)dup

Genes: SCN2A (sodium voltage-gated channel alpha subunit 2; plus strand), SCN3A (sodium voltage-gated channel alpha subunit 3; minus strand). Cytogenetic location: 2q24.3.
Variant type: Duplication.
Identifiers: ClinVar variation 1015627 (VCV001015627.1).

ClinVar aggregate classification (germline): Uncertain significance. Review status: criteria provided, single submitter (1 of 4 stars). 2 submissions from 1 submitter: Uncertain significance (1). 1 of the submissions does not count toward it. Last evaluated 2018-05-13.

Conditions:
Seizures, benign familial infantile, 3 (BFIS3). Also called: CONVULSIONS, BENIGN FAMILIAL INFANTILE, 3; Familial neonatal seizures. Identifiers: Orphanet 140927, Orphanet 306, MedGen C1843140, MONDO:0011904, OMIM 607745.
Developmental and epileptic encephalopathy, 11 (DEE11). Also called: Early infantile epileptic encephalopathy 11. Identifiers: Orphanet 1934, MedGen C3150987, MONDO:0013388, OMIM 613721.

Submissions (2):

Labcorp Genetics (formerly Invitae), Labcorp
Classification: Uncertain significance. Last evaluated: 2018-05-13. Review status: criteria provided, single submitter. Criteria: Invitae Variant Classification Sherloc (09022015). Collection method: clinical testing. Allele origin: germline.
Comment: This variant results in a copy number gain of the genomic region encompassing exons 1-18 of the SCN3A gene. The 5' end of this event is unknown as it extends beyond the assayed region for this gene and therefore may encompass additional genes. The 3' boundary is likely confined to intron 18 of the SCN3A gene. As the precise location of this event is unknown, it may be in tandem or it may be located elsewhere in the genome. This variant has not been reported in the literature in individuals with SCN3A-related disease. Experimental studies are not available for this variant, and the functional significance of the duplicated exons is currently unknown. In summary, the available evidence is currently insufficient to determine the role of this variant in disease. Therefore, it has been classified as a Variant of Uncertain Significance.

Labcorp Genetics (formerly Invitae), Labcorp
Classification: Uncertain significance for Benign familial neonatal-infantile seizures; Early infantile epileptic encephalopathy 11. Last evaluated: 2018-05-22. Review status: flagged submission. Criteria: Invitae Variant Classification Sherloc (09022015). Collection method: clinical testing. Allele origin: germline. Not counted in ClinVar's aggregate classification.
Comment: This variant results in a copy number gain of the genomic region encompassing the full coding sequence of the SCN2A gene. The boundaries of this event are unknown as they extend beyond the assayed region for this gene and therefore may encompass additional genes. As the precise location of this event is unknown, it may be in tandem or it may be located elsewhere in the genome. Gross copy number gains of the SCN2A gene have not been reported in the literature in individuals with a SCN2A-related disease. However, copy number gains at 2q24.3 encompassing SCN2A and neighboring genes have been described inÂ¬â€ individuals presenting with early onset epilepsy during the first days of life (PMID: 21893419, 23016767). The smallest report is a 507 kb interstitial duplication involving SCN2A, SCN3A, and the 5â€šÃ„â‰¤ part of SLC38A11 that segregates with neonatal onset of seizures (PMID: 27153334). In summary, the available evidence is currently insufficient to determine the role of this variant in disease. Therefore, it has been classified as a Variant of Uncertain Significance.
ClinVar note: Reason: This record appears to be redundant with a more recent record from the same submitter.
ClinVar note: Notes: SCV000837374 appears to be redundant with SCV001505043.

Literature cited by the submitters: PubMed 23016767; PubMed 27153334; PubMed 21893419.